The following is an entry in ClinVar:

ClinVar aggregate classification (germline): Uncertain significance (1 of 4 stars; one submission).

Conditions:
DHX16-related disorder. Also called: DHX16-related condition.

Submission:

PreventionGenetics, part of Exact Sciences
Classification: Uncertain significance for DHX16-related condition. Last evaluated: 2022-10-04. Review status: criteria provided, single submitter. Criteria: ACMG Guidelines, 2015. Collection method: clinical testing. Allele origin: germline.
Comment: The DHX16 c.1642delG variant is predicted to result in a frameshift and premature protein termination (p.Val548Serfs*49). To our knowledge, this variant has not been reported in the literature or in a large population database, indicating this variant is rare. At this time, the clinical significance of this variant is uncertain due to the absence of conclusive functional and genetic evidence.

NM_003587.5(DHX16):c.1642del (p.Val548fs)

Gene: DHX16 (DEAH-box helicase 16; minus strand). Cytogenetic location: 6p21.33.
Variant type: Deletion.
Coding change: c.1642del on transcript NM_003587.5 (MANE Select); coding-DNA position 1642, one base deleted (G; older notation c.1642delG).
Protein change: p.Val548fs; shifts the reading frame from valine 548.
Molecular consequence: frameshift variant.
Genome position (GRCh38, 1-based): chr6:30,660,145, C deleted on the plus strand (G on the coding strand, the reverse complement: DHX16 is on the minus strand); the first of 2 consecutive C bases (chr6:30,660,145-30,660,146); deleting either gives the same sequence. VCF-style (leftmost placement, unchanged base first): chr6-30660144-AC-A. GRCh37 (hg19) VCF-style: chr6-30627921-AC-A.
Other names: c.1462del, p.Val488fs (NM_001164239.2); c.199del, p.Val67fs (NM_001363515.2); short protein forms V488fs, V548fs, V67fs.
Identifiers: ClinVar variation 2637103 (VCV002637103.1), dbSNP rs2534420274, ClinGen allele CA2695198812.
Genomic context (GRCh38, chr6:30,660,144, plus strand): 5'-GGGGCGTCATCAAAGAAGGTGGAAAAACGGGCAGTGTCCATTGTGGCTGAAGCCACCAGG[AC>A]CTTGAGCTCAGGTCGGAAGCGAGCAACATCCTTGATCAATCCAAAGAGAATGTCTGTGTG-3'